The following is an entry in ClinVar:

ClinVar aggregate classification (germline): Uncertain significance (1 of 4 stars; one submission).

Conditions:
Inflammatory bowel disease 28. Also called: Inflammatory bowel disease 28, early onset, autosomal recessive. Identifiers: Orphanet 238569, MedGen C2751053, MONDO:0013153, OMIM 613148.

gnomAD v4.1: 22 of 1,614,166 alleles (0.0014%); highest among the groups gnomAD compares: South Asian, 0.0055%; no homozygotes.

Submission:

Labcorp Genetics (formerly Invitae), Labcorp
Classification: Uncertain significance for Inflammatory bowel disease 28. Last evaluated: 2025-03-07. Review status: criteria provided, single submitter. Criteria: Invitae Variant Classification Sherloc (09022015). Collection method: clinical testing. Allele origin: germline.
Comment: This sequence change replaces arginine, which is basic and polar, with cysteine, which is neutral and slightly polar, at codon 284 of the IL10RA protein (p.Arg284Cys). This variant is present in population databases (rs755029073, gnomAD 0.007%). This variant has not been reported in the literature in individuals affected with IL10RA-related conditions. Invitae Evidence Modeling of protein sequence and biophysical properties (such as structural, functional, and spatial information, amino acid conservation, physicochemical variation, residue mobility, and thermodynamic stability) indicates that this missense variant is not expected to disrupt IL10RA protein function with a negative predictive value of 80%. In summary, the available evidence is currently insufficient to determine the role of this variant in disease. Therefore, it has been classified as a Variant of Uncertain Significance.

NM_001558.4(IL10RA):c.850C>T (p.Arg284Cys)

Gene: IL10RA (interleukin 10 receptor subunit alpha; plus strand). Cytogenetic location: 11q23.3.
Variant type: single nucleotide variant.
Coding change: c.850C>T on transcript NM_001558.4 (MANE Select); coding-DNA position 850, C replaced by T.
Protein change: p.Arg284Cys; replaces arginine 284 with cysteine.
Molecular consequence: missense variant. On other transcripts: non-coding transcript variant (1).
Genome position (GRCh38, 1-based): chr11:117,998,754, C>T. VCF-style: chr11-117998754-C-T. GRCh37 (hg19) VCF-style: chr11-117869469-C-T.
Other names: c.403C>T, p.Arg135Cys (NM_001440423.1); short protein forms R135C, R284C.
Identifiers: ClinVar variation 4695426 (VCV004695426.1).